The following is an entry in ClinVar:

ClinVar aggregate classification (germline): Pathogenic. Review status: criteria provided, multiple submitters, no conflicts (2 of 4 stars). 7 submissions from 7 submitters: Pathogenic (6). 1 of the submissions does not count toward it. Last evaluated 2025-06-17.

Conditions:
Pheochromocytoma. Also called: MAX-Related Hereditary Paraganglioma-Pheochromocytoma Syndrome. Identifiers: Orphanet 29072, MedGen C0031511, MONDO:0008233, OMIM 171300, HP:0002666.
Pheochromocytoma/paraganglioma syndrome 4. Also called: PARAGANGLIOMA, FAMILIAL MALIGNANT; PARAGANGLIOMAS, HEREDITARY EXTRAADRENAL; PHEOCHROMOCYTOMA, FAMILIAL EXTRAADRENAL; Paragangliomas 4; CAROTID BODY TUMORS AND MULTIPLE EXTRAADRENAL PHEOCHROMOCYTOMAS; SDHB-Related Hereditary Paraganglioma-Pheochromocytoma Syndrome (Paragangliomas 4). Identifiers: Orphanet 29072, MedGen C1861848, MONDO:0007273, OMIM 115310.
Gastrointestinal stromal tumor. Also called: Gastrointestinal stroma tumor; Gastrointestinal stromal tumor, somatic. Identifiers: Orphanet 44890, MedGen C0238198, MeSH D046152, MONDO:0011719, OMIM 606764, HP:0100723.
Hereditary cancer-predisposing syndrome. Also called: Neoplastic Syndromes, Hereditary; Hereditary Cancer Syndrome; Hereditary neoplastic syndrome; Tumor predisposition. Identifiers: Orphanet 140162, MedGen C0027672, MeSH D009386, MONDO:0015356.
Hereditary pheochromocytoma and paraganglioma. Also called: Hereditary Paraganglioma-Pheochromocytoma Syndromes; Hereditary pheochromocytoma-paraganglioma; Hereditary paragangliomas and pheochromocytomas. Identifiers: Orphanet 29072, MedGen C4274332, MONDO:0017366.

Submissions (7):

Quest Diagnostics Nichols Institute San Juan Capistrano
Classification: Pathogenic. Last evaluated: 2025-06-17. Review status: criteria provided, single submitter. Criteria: Quest Diagnostics criteria. Collection method: clinical testing. Allele origin: unknown.
Comment: The SDHB c.183T>G (p.Tyr61*) variant causes the premature termination of SDHB protein synthesis. This variant has been reported in the published literature in individuals affected with pheochromocytoma/paraganglioma (PMID: 28374168 (2017), 20418362 (2010)). This variant has not been reported in large, multi-ethnic general populations (Genome Aggregation Database). Based on the available information, this variant is classified as pathogenic.

GeneDx
Classification: Pathogenic. Last evaluated: 2025-05-28. Review status: criteria provided, single submitter. Criteria: GeneDx Variant Classification Process June 2021. Collection method: clinical testing. Allele origin: germline. Affected: yes.
Comment: Nonsense variant predicted to result in protein truncation or nonsense mediated decay in a gene for which loss of function is a known mechanism of disease; Not observed at significant frequency in large population cohorts (gnomAD); This variant is associated with the following publications: (PMID: 19958924, 31492822, 22723792, 28374168, 34439168, 20418362)

Labcorp Genetics (formerly Invitae), Labcorp
Classification: Pathogenic for Gastrointestinal stromal tumor; Pheochromocytoma/paraganglioma syndrome 4; Pheochromocytoma. Last evaluated: 2025-05-05. Review status: criteria provided, single submitter. Criteria: Invitae Variant Classification Sherloc (09022015). Collection method: clinical testing. Allele origin: germline.
Comment: This sequence change creates a premature translational stop signal (p.Tyr61*) in the SDHB gene. It is expected to result in an absent or disrupted protein product. Loss-of-function variants in SDHB are known to be pathogenic (PMID: 19454582, 19802898). This variant is not present in population databases (gnomAD no frequency). This premature translational stop signal has been observed in individual(s) with paraganglioma (PMID: 20418362). ClinVar contains an entry for this variant (Variation ID: 438412). For these reasons, this variant has been classified as Pathogenic.

Ambry Genetics
Classification: Pathogenic for Hereditary cancer-predisposing syndrome. Last evaluated: 2024-12-18. Review status: criteria provided, single submitter. Criteria: Ambry Variant Classification Scheme 2023. Collection method: clinical testing. Allele origin: germline.
Comment: The p.Y61* pathogenic mutation (also known as c.183T>G), located in coding exon 2 of the SDHB gene, results from a T to G substitution at nucleotide position 183. This changes the amino acid from a tyrosine to a stop codon within coding exon 2. This alteration has been detected in multiple individuals diagnosed with a paraganglioma or pheochromocytoma (Lodish MB et al. Endocr Relat Cancer. 2010 Sep;17:581-8; Jochmanova I et al. J Cancer Res Clin Oncol. 2017 Aug;143:1421-1435; Ambry internal data). In addition to the clinical data presented in the literature, this alteration is expected to result in loss of function by premature protein truncation or nonsense-mediated mRNA decay. As such, this alteration is interpreted as a disease-causing mutation.

Institute for Genomic Medicine (IGM) Clinical Laboratory, Nationwide Children's Hospital
Classification: Pathogenic for Pheochromocytoma/paraganglioma syndrome 4. Last evaluated: 2024-07-30. Review status: criteria provided, single submitter. Criteria: ACMG Guidelines, 2015. Collection method: clinical testing. Allele origin: germline.
Comment: This variant is predicted to result in loss of function through nonsense-mediated decay of the encoded transcript or premature truncation of the encoded protein in a gene in which loss of function is a known mechanism of disease (ACMG/AMP: PVS1; PMIDs:19454582, 19802898). This variant has been reported at an elevated frequency in affected individuals/in multiple affected individuals in the literature (ACMG/AMP: PS4_Supporting; PMIDs:20418362, 22723792). This variant is absent from or present at an exceedingly low frequency in gnomAD, a large-scale control population database (ACMG/AMP: PM2).

MGZ Medical Genetics Center
Classification: Pathogenic for Pheochromocytoma. Last evaluated: 2021-12-01. Review status: criteria provided, single submitter. Criteria: ACMG Guidelines, 2015. Collection method: clinical testing. Allele origin: germline. Affected: yes. Observed: 1 variant allele.
Comment: ACMG criteria applied: PVS1, PS4_MOD, PM2_SUP

Section on Medical Neuroendocrinolgy, National Institutes of Health
Classification: Pathogenic for Hereditary pheochromocytoma and paraganglioma. Review status: no assertion criteria provided. Collection method: research. Allele origin: germline. Affected: yes. Not counted in ClinVar's aggregate classification.

Literature cited by the submitters: PubMed 19454582 (cited by Labcorp Genetics (formerly Invitae), Labcorp and Institute for Genomic Medicine (IGM) Clinical Laboratory, Nationwide Children's Hospital); PubMed 19802898 (cited by Labcorp Genetics (formerly Invitae), Labcorp and Institute for Genomic Medicine (IGM) Clinical Laboratory, Nationwide Children's Hospital); PubMed 20418362 (cited by 3 submitters); PubMed 28374168 (cited by Ambry Genetics); PubMed 22723792 (cited by Institute for Genomic Medicine (IGM) Clinical Laboratory, Nationwide Children's Hospital).

NM_003000.3(SDHB):c.183T>G (p.Tyr61Ter)

Gene: SDHB (succinate dehydrogenase complex iron sulfur subunit B; minus strand). Cytogenetic location: 1p36.13.
Variant type: single nucleotide variant.
Coding change: c.183T>G on transcript NM_003000.3 (MANE Select); coding-DNA position 183, T replaced by G.
Protein change: p.Tyr61Ter; replaces tyrosine 61 with a stop codon.
Molecular consequence: nonsense.
Genome position (GRCh38, 1-based): chr1:17,044,778, A>C on the plus strand (T>G on the coding strand, the complement: SDHB is on the minus strand). VCF-style: chr1-17044778-A-C. GRCh37 (hg19) VCF-style: chr1-17371273-A-C.
Other names: short protein forms Y61*.
Identifiers: ClinVar variation 438412 (VCV000438412.15), dbSNP rs760169139, ClinGen allele CA338227764.